The following is an entry in ClinVar:

ClinVar aggregate classification (germline): Benign. Review status: criteria provided, multiple submitters, no conflicts (2 of 4 stars). 3 submissions from 3 submitters: Benign (3). Last evaluated 2026-01-27.

Allele frequency attached by ClinVar (database versions not stated): ESP Exome Variant Server 0.00085; gnomAD exomes 0.00117 and 0.00175; ExAC 0.00146; gnomAD 0.00156 and 0.00160; TOPMed 0.00167.
gnomAD v4.1: 2,025 of 1,598,336 alleles (0.13%); highest among the groups gnomAD compares: Admixed American, 0.28%; 7 homozygotes.

Submissions (3):

Labcorp Genetics (formerly Invitae), Labcorp
Classification: Benign. Last evaluated: 2026-01-27. Review status: criteria provided, single submitter. Criteria: Invitae Variant Classification Sherloc (09022015). Collection method: clinical testing. Allele origin: germline.

CeGaT Center for Human Genetics Tuebingen
Classification: Benign. Last evaluated: 2025-02-01. Review status: criteria provided, single submitter. Criteria: CeGaT Center For Human Genetics Tuebingen Variant Classification Criteria Version 2. Collection method: clinical testing. Allele origin: germline. Affected: yes. Observed: 1 variant allele.
Comment: TOP1MT: BP4, BS1, BS2

Breakthrough Genomics
Classification: Benign. Review status: criteria provided, single submitter. Criteria: ACMG Guidelines, 2015. Collection method: not provided. Allele origin: germline. Inheritance: Unknown mechanism. Affected: yes.

NM_052963.3(TOP1MT):c.104A>G (p.Gln35Arg)

Gene: TOP1MT (DNA topoisomerase I mitochondrial; minus strand). Cytogenetic location: 8q24.3.
Variant type: single nucleotide variant.
Coding change: c.104A>G on transcript NM_052963.3 (MANE Select); coding-DNA position 104, A replaced by G.
Protein change: p.Gln35Arg; replaces glutamine 35 with arginine.
Molecular consequence: missense variant. On other transcripts: intron variant (2).
Genome position (GRCh38, 1-based): chr8:143,334,758, T>C on the plus strand (A>G on the coding strand, the complement: TOP1MT is on the minus strand). VCF-style: chr8-143334758-T-C. GRCh37 (hg19) VCF-style: chr8-144416928-T-C.
Other names: c.-172-3419A>G (NM_001258447.1, NM_001258446.1); short protein forms Q35R.
Identifiers: ClinVar variation 1642420 (VCV001642420.22), dbSNP rs139901836, ClinGen allele CA4909037.